The following is an entry in ClinVar:

NM_001131016.2(CIZ1):c.788G>A (p.Arg263Lys)

Gene: CIZ1 (CDKN1A interacting zinc finger protein 1; minus strand). Cytogenetic location: 9q34.11.
Variant type: single nucleotide variant.
Coding change: c.788G>A on transcript NM_001131016.2 (MANE Select); coding-DNA position 788, G replaced by A.
Protein change: p.Arg263Lys; replaces arginine 263 with lysine.
Molecular consequence: missense variant.
Genome position (GRCh38, 1-based): chr9:128,180,418, C>T on the plus strand (G>A on the coding strand, the complement: CIZ1 is on the minus strand). VCF-style: chr9-128180418-C-T. GRCh37 (hg19) VCF-style: chr9-130942697-C-T.
Other names: c.788G>A, p.Arg263Lys (NM_001131015.2, NM_012127.3); c.773G>A, p.Arg258Lys (NM_001131017.2); c.716G>A, p.Arg239Lys (NM_001131018.2); c.878G>A, p.Arg293Lys (NM_001257975.2); c.485G>A, p.Arg162Lys (NM_001257976.2); short protein forms R162K, R258K, R263K, R239K, R293K.
Identifiers: ClinVar variation 2787020 (VCV002787020.3), dbSNP rs140972091, ClinGen allele CA5257460.

ClinVar aggregate classification (germline): Uncertain significance (1 of 4 stars; one submission).

Conditions:
Dystonic disorder. Also called: Dystonia. Identifiers: MedGen C0013421, MONDO:0003441, HP:0001332.

Allele frequency attached by ClinVar (database versions not stated): ExAC 0.00001; gnomAD 0.00001; TOPMed 0.00002; ESP Exome Variant Server 0.00008.

Submission:

Labcorp Genetics (formerly Invitae), Labcorp
Classification: Uncertain significance for Dystonic disorder. Last evaluated: 2023-10-13. Review status: criteria provided, single submitter. Criteria: Invitae Variant Classification Sherloc (09022015). Collection method: clinical testing. Allele origin: germline.
Comment: This sequence change replaces arginine, which is basic and polar, with lysine, which is basic and polar, at codon 263 of the CIZ1 protein (p.Arg263Lys). This variant is present in population databases (rs140972091, gnomAD 0.01%). This variant has not been reported in the literature in individuals affected with CIZ1-related conditions. Algorithms developed to predict the effect of missense changes on protein structure and function output the following: SIFT: "Not Available"; PolyPhen-2: "Benign"; Align-GVGD: "Not Available". The lysine amino acid residue is found in multiple mammalian species, which suggests that this missense change does not adversely affect protein function. In summary, the available evidence is currently insufficient to determine the role of this variant in disease. Therefore, it has been classified as a Variant of Uncertain Significance.